The following is an entry in ClinVar:

ClinVar aggregate classification (germline): Uncertain significance (1 of 4 stars; one submission).

Submission:

Labcorp Genetics (formerly Invitae), Labcorp
Classification: Uncertain significance. Last evaluated: 2024-11-18. Review status: criteria provided, single submitter. Criteria: Invitae Variant Classification Sherloc (09022015). Collection method: clinical testing. Allele origin: germline.
Comment: This sequence change replaces tyrosine, which is neutral and polar, with asparagine, which is neutral and polar, at codon 545 of the INTU protein (p.Tyr545Asn). This variant is not present in population databases (gnomAD no frequency). This variant has not been reported in the literature in individuals affected with INTU-related conditions. Invitae Evidence Modeling of protein sequence and biophysical properties (such as structural, functional, and spatial information, amino acid conservation, physicochemical variation, residue mobility, and thermodynamic stability) indicates that this missense variant is not expected to disrupt INTU protein function with a negative predictive value of 80%. In summary, the available evidence is currently insufficient to determine the role of this variant in disease. Therefore, it has been classified as a Variant of Uncertain Significance.

NM_015693.4(INTU):c.1633T>A (p.Tyr545Asn)

Gene: INTU (inturned planar cell polarity protein; plus strand). Cytogenetic location: 4q28.1.
Variant type: single nucleotide variant.
Coding change: c.1633T>A on transcript NM_015693.4 (MANE Select); coding-DNA position 1633, T replaced by A.
Protein change: p.Tyr545Asn; replaces tyrosine 545 with asparagine.
Molecular consequence: missense variant.
Genome position (GRCh38, 1-based): chr4:127,705,657, T>A. VCF-style: chr4-127705657-T-A. GRCh37 (hg19) VCF-style: chr4-128626812-T-A.
Other names: short protein forms Y545N.
Identifiers: ClinVar variation 3663434 (VCV003663434.2).
Genomic context (GRCh38, chr4:127,705,657, plus strand): 5'-TTGATATGCAGTCATTTGCCCAAGGATGATCTTATTGATATTGCCGTATACTGTCGCCAC[T>A]ATTGCCTGCTGCCTTTAGCAGCAAAACAAAGAATTGGTCAGTTGATCATATGGAGAGAAG-3'
Protein context (NP_056508.2, residues 535-555): LIDIAVYCRH[Tyr545Asn]CLLPLAAKQR